The following is an entry in ClinVar:

NM_000170.3(GLDC):c.391A>T (p.Arg131Ter)

Gene: GLDC (glycine decarboxylase; minus strand). Cytogenetic location: 9p24.1.
Variant type: single nucleotide variant.
Coding change: c.391A>T on transcript NM_000170.3 (MANE Select); coding-DNA position 391, A replaced by T.
Protein change: p.Arg131Ter; replaces arginine 131 with a stop codon.
Molecular consequence: nonsense.
Genome position (GRCh38, 1-based): chr9:6,620,263, T>A on the plus strand (A>T on the coding strand, the complement: GLDC is on the minus strand). VCF-style: chr9-6620263-T-A. GRCh37 (hg19) VCF-style: chr9-6620263-T-A.
Other names: short protein forms R131*.
Identifiers: ClinVar variation 2436617 (VCV002436617.4), dbSNP rs2489124701, ClinGen allele CA372879576.

ClinVar aggregate classification (germline): Pathogenic. Review status: criteria provided, multiple submitters, no conflicts (2 of 4 stars). 2 submissions from 2 submitters: Pathogenic (2). Last evaluated 2024-11-27.

Conditions:
Glycine encephalopathy 1 (GCE1). Identifiers: MedGen CN376801, MONDO:0958179, OMIM 605899.

Submissions (2):

Myriad Genetics, Inc.
Classification: Pathogenic for Glycine encephalopathy 1. Last evaluated: 2024-11-27. Review status: criteria provided, single submitter. Criteria: Myriad Autosomal Dominant, Autosomal Recessive and X-Linked Classification Criteria (2023). Collection method: clinical testing. Allele origin: unknown.
Comment: NM_000170.2(GLDC):c.391A>T(R131*) is expected to be pathogenic in the context of glycine encephalopathy, GLDC-related. This variant is predicted to lead to an abnormal or absent protein product due to the creation of a premature termination codon in GLDC, a gene where loss-of-function variants are known to be pathogenic. Please note: this variant was assessed in the context of healthy population screening.

Revvity Omics, Revvity
Classification: Pathogenic for Glycine encephalopathy 1. Last evaluated: 2022-06-07. Review status: criteria provided, single submitter. Criteria: ACMG Guidelines, 2015. Collection method: clinical testing. Allele origin: germline.